The following is an entry in ClinVar:

NM_021167.5(GATAD1):c.215C>T (p.Pro72Leu)

Genes: GATAD1 (GATA zinc finger domain containing 1; plus strand), LOC129998793 (ATAC-STARR-seq lymphoblastoid silent region 18371; plus strand). Cytogenetic location: 7q21.2.
Variant type: single nucleotide variant.
Coding change: c.215C>T on transcript NM_021167.5 (MANE Select); coding-DNA position 215, C replaced by T.
Protein change: p.Pro72Leu; replaces proline 72 with leucine.
Molecular consequence: missense variant. On other transcripts: non-coding transcript variant (1).
Genome position (GRCh38, 1-based): chr7:92,447,944, C>T. VCF-style: chr7-92447944-C-T. GRCh37 (hg19) VCF-style: chr7-92077258-C-T.
Other names: short protein forms P72L.
Identifiers: ClinVar variation 4028549 (VCV004028549.1).

ClinVar aggregate classification (germline): Uncertain significance (1 of 4 stars; one submission).

Conditions:
Cardiovascular phenotype. Identifiers: MedGen CN230736.

gnomAD v4.1: 3 of 1,233,724 alleles (0.00024%); highest among the groups gnomAD compares: South Asian, 0.0078%; no homozygotes.

Submission:

Ambry Genetics
Classification: Uncertain significance for Cardiovascular phenotype. Last evaluated: 2025-03-25. Review status: criteria provided, single submitter. Criteria: Ambry Variant Classification Scheme 2023. Collection method: clinical testing. Allele origin: germline.
Comment: The p.P72L variant (also known as c.215C>T), located in coding exon 1 of the GATAD1 gene, results from a C to T substitution at nucleotide position 215. The proline at codon 72 is replaced by leucine, an amino acid with similar properties. This amino acid position is conserved. In addition, this alteration is predicted to be tolerated by in silico analysis. Based on the available evidence, the clinical significance of this variant remains unclear.